The following is an entry in ClinVar:

ClinVar aggregate classification (germline): Uncertain significance. Review status: reviewed by expert panel (3 of 4 stars). 2 submissions from 2 submitters: Uncertain significance (1). 1 of the submissions does not count toward it. Last evaluated 2025-08-01.

Conditions:
Malignant hyperthermia, susceptibility to, 1 (MHS1). Also called: RYR1-Related Malignant Hyperthermia Susceptibility; Malignant hyperthermia suceptibility 1; Anesthesia related hyperthermia; Malignant hyperpyrexia; Fulminating hyperpyrexia; Pharmacogenic myopathy. Identifiers: Orphanet 423, MedGen C2930980, MONDO:0007783, OMIM 145600.

Submissions (2):

ClinGen Malignant Hyperthermia Susceptibility Variant Curation Expert Panel, ClinGen
Classification: Uncertain significance for Malignant hyperthermia, susceptibility to, 1. Last evaluated: 2025-08-01. Review status: reviewed by expert panel. Criteria: ClinGen MHS ACMG Specifications V2. Collection method: curation. Allele origin: germline. Inheritance: Autosomal dominant inheritance.
Comment: This pathogenicity assessment is relevant only for malignant hyperthermia susceptibility (MHS) inherited in an autosomal dominant pattern. Variants in RYR1 can also cause other myopathies inherited in an autosomal dominant pattern or in an autosomal recessive pattern. Some of these disorders may predispose individuals to malignant hyperthermia. RYR1 variants may also contribute to a malignant hyperthermia reaction in combination with other genetic and non-genetic factors and the clinician needs to consider such factors in making management decisions. This sequence variant predicts a substitution of glutamic acid with aspartic acid at codon 2439 of the RYR1 protein, p.(Glu2439Asp). This variant was not present in a large population database (gnomAD) at the time this variant was interpreted. To our knowledge, this variant has not been reported in any individuals with a personal or family history of an MH episode and a positive in vitro contracture test (IVCT) or caffeine halothane contracture test (CHCT) result, PS4 not applied (PMID:16835904, unclear MH history). No functional studies were identified for this variant. This variant resides in a region of RYR1 considered to be a hotspot for pathogenic variants that contribute to MHS, PM1 (PMID: 21118704). A REVEL score of 0.734 supports neither a pathogenic nor a benign status for this variant. This variant has been classified as a Variant of Unknown Significance. Criteria implemented: PM1.

RYR1 database
No classification provided. Review status: no classification provided. Collection method: not provided. Allele origin: unknown. Not counted in ClinVar's aggregate classification.

NM_000540.3(RYR1):c.7317G>C (p.Glu2439Asp)

Gene: RYR1 (ryanodine receptor 1; plus strand). Cytogenetic location: 19q13.2.
Variant type: single nucleotide variant.
Coding change: c.7317G>C on transcript NM_000540.3 (MANE Select); coding-DNA position 7317, G replaced by C.
Protein change: p.Glu2439Asp; replaces glutamic acid 2439 with aspartic acid.
Molecular consequence: missense variant.
Genome position (GRCh38, 1-based): chr19:38,500,010, G>C. VCF-style: chr19-38500010-G-C. GRCh37 (hg19) VCF-style: chr19-38990650-G-C.
Other names: NM_000540.2(RYR1):c.7317G>C; p.Glu2439Asp; c.7317G>C, p.Glu2439Asp (NM_001042723.2); short protein forms E2439D.
Identifiers: ClinVar variation 133198 (VCV000133198.4), dbSNP rs193922813, ClinGen allele CA024758.